The following is an entry in ClinVar:

ClinVar aggregate classification (germline): Uncertain significance (1 of 4 stars; one submission).

Allele frequency attached by ClinVar (database versions not stated): TOPMed below 0.00001; gnomAD exomes 0.00001.
gnomAD v4.1: 15 of 1,613,586 alleles (0.00093%); highest among the groups gnomAD compares: Non-Finnish European, 0.0013%; no homozygotes.

Submission:

Labcorp Genetics (formerly Invitae), Labcorp
Classification: Uncertain significance. Last evaluated: 2024-03-24. Review status: criteria provided, single submitter. Criteria: Invitae Variant Classification Sherloc (09022015). Collection method: clinical testing. Allele origin: germline.
Comment: This sequence change replaces serine, which is neutral and polar, with phenylalanine, which is neutral and non-polar, at codon 41 of the RELB protein (p.Ser41Phe). This variant is present in population databases (no rsID available, gnomAD 0.002%). This variant has not been reported in the literature in individuals affected with RELB-related conditions. ClinVar contains an entry for this variant (Variation ID: 1433250). An algorithm developed to predict the effect of missense changes on protein structure and function (PolyPhen-2) suggests that this variant is likely to be tolerated. In summary, the available evidence is currently insufficient to determine the role of this variant in disease. Therefore, it has been classified as a Variant of Uncertain Significance.

NM_006509.4(RELB):c.122C>T (p.Ser41Phe)

Gene: RELB (RELB proto-oncogene, NF-kB subunit; plus strand). Cytogenetic location: 19q13.32.
Variant type: single nucleotide variant.
Coding change: c.122C>T on transcript NM_006509.4 (MANE Select); coding-DNA position 122, C replaced by T.
Protein change: p.Ser41Phe; replaces serine 41 with phenylalanine.
Molecular consequence: missense variant.
Genome position (GRCh38, 1-based): chr19:45,002,964, C>T. VCF-style: chr19-45002964-C-T. GRCh37 (hg19) VCF-style: chr19-45506222-C-T.
Other names: short protein forms S41F.
Identifiers: ClinVar variation 1433250 (VCV001433250.6), dbSNP rs950862393, ClinGen allele CA308926178.